The following is an entry in ClinVar:

ClinVar aggregate classification (germline): Conflicting classifications of pathogenicity. Review status: criteria provided, conflicting classifications (1 of 4 stars). 4 submissions from 4 submitters: Uncertain significance (3); Likely benign (1). Last evaluated 2026-09-01.

Conditions:
TTN-related disorder. Also called: TTN-related disorders; TTN-related condition; TTN-related disease.

Allele frequency attached by ClinVar (database versions not stated): gnomAD exomes below 0.00001 and 0.00001; ExAC 0.00001; gnomAD 0.00001; TOPMed 0.00001.
gnomAD v4.1: 19 of 1,612,348 alleles (0.0012%); highest among the groups gnomAD compares: Non-Finnish European, 0.0014%; no homozygotes.

Submissions (4):

CeGaT Center for Human Genetics Tuebingen
Classification: Uncertain significance. Last evaluated: 2026-09-01. Review status: criteria provided, single submitter. Criteria: CeGaT Center For Human Genetics Tuebingen Variant Classification Criteria Version 2. Collection method: clinical testing. Allele origin: germline. Affected: yes. Observed: 1 variant allele.
Comment: TTN: PM2

Athena Diagnostics
Classification: Uncertain significance. Last evaluated: 2024-04-11. Review status: criteria provided, single submitter. Criteria: Athena Diagnostics Criteria. Collection method: clinical testing. Allele origin: unknown.
Comment: Available data are insufficient to determine the clinical significance of the variant at this time. The frequency of this variant in the general population is uninformative in assessment of its pathogenicity. Computational tools disagree on the variant's effect on normal protein function.

PreventionGenetics, part of Exact Sciences
Classification: Uncertain significance for TTN-related condition. Last evaluated: 2022-12-29. Review status: criteria provided, single submitter. Criteria: ACMG Guidelines, 2015. Collection method: clinical testing. Allele origin: germline.
Comment: The TTN c.89639T>G variant is predicted to result in the amino acid substitution p.Leu29880Arg. To our knowledge, this variant has not been reported in the literature. This variant is reported in 0.00089% of alleles in individuals of European (Non-Finnish) descent in gnomAD. At this time, the clinical significance of this variant is uncertain due to the absence of conclusive functional and genetic evidence.

GeneDx
Classification: Likely benign. Last evaluated: 2018-04-10. Review status: criteria provided, single submitter. Criteria: GeneDx Variant Classification (06012015). Collection method: clinical testing. Allele origin: germline. Affected: yes.
Comment: This variant is considered likely benign or benign based on one or more of the following criteria: it is a conservative change, it occurs at a poorly conserved position in the protein, it is predicted to be benign by multiple in silico algorithms, and/or has population frequency not consistent with disease.

NM_001267550.2(TTN):c.89639T>G (p.Leu29880Arg)

Genes: TTN (titin; minus strand), TTN-AS1 (TTN antisense RNA 1; plus strand). Cytogenetic location: 2q31.2.
Variant type: single nucleotide variant.
Coding change: c.89639T>G on transcript NM_001267550.2 (MANE Select); coding-DNA position 89639, T replaced by G.
Protein change: p.Leu29880Arg; replaces leucine 29880 with arginine.
Molecular consequence: missense variant.
Genome position (GRCh38, 1-based): chr2:178,553,261, A>C on the plus strand (T>G on the coding strand, the complement: TTN is on the minus strand). VCF-style: chr2-178553261-A-C. GRCh37 (hg19) VCF-style: chr2-179417988-A-C.
Other names: c.84716T>G, p.Leu28239Arg (NM_001256850.1); c.62444T>G, p.Leu20815Arg (NM_003319.4); c.81935T>G, p.Leu27312Arg (NM_133378.4); c.62819T>G, p.Leu20940Arg (NM_133432.3); c.63020T>G, p.Leu21007Arg (NM_133437.4); c.89639T>G (NM_001267550.1); short protein forms L20815R, L21007R, L27312R, L28239R, L29880R, L20940R.
Identifiers: ClinVar variation 681631 (VCV000681631.4), dbSNP rs781165041, ClinGen allele CA1987887.